The following is an entry in ClinVar:

NM_025114.4(CEP290):c.5709+1G>T

Gene: CEP290 (centrosomal protein 290; minus strand). Cytogenetic location: 12q21.32.
Variant type: single nucleotide variant.
Coding change: c.5709+1G>T on transcript NM_025114.4 (MANE Select); the canonical splice donor site of the intron after coding-DNA position 5709, G replaced by T.
Molecular consequence: splice donor variant.
Genome position (GRCh38, 1-based): chr12:88,077,221, C>A on the plus strand (G>T on the coding strand, the complement: CEP290 is on the minus strand). VCF-style: chr12-88077221-C-A. GRCh37 (hg19) VCF-style: chr12-88470998-C-A.
Identifiers: ClinVar variation 4816228 (VCV004816228.1).

ClinVar aggregate classification (germline): Likely pathogenic (1 of 4 stars; one submission).

Conditions:
Leber congenital amaurosis (LCA). Also called: Leber's amaurosis. Identifiers: Orphanet 65, MedGen C0339527, MeSH D057130, MONDO:0018998.

gnomAD v4.1: 1 of 1,600,252 alleles (0.000062%); highest among the groups gnomAD compares: South Asian, 0.0011%; no homozygotes.

Submission:

Natera, Inc.
Classification: Likely pathogenic for Leber congenital amaurosis. Last evaluated: 2024-12-16. Review status: criteria provided, single submitter. Criteria: Natera Variant Classification Schema (03/2026). Collection method: clinical testing. Allele origin: germline.
Comment: The c.5709+1G>T variant in CEP290 is a canonical splice donor site variant predicted to affect pre-mRNA splicing, which may result in an abnormal transcript and altered protein product. This variant is expected to result in nonsense mediated decay, truncation, or a dysfunctional protein product. This variant is rare in the general population with a frequency below the threshold expected for the associated phenotype(s). Given the available evidence, this variant is classified as Likely Pathogenic.